The following is an entry in ClinVar:

ClinVar aggregate classification (germline): Uncertain significance. Review status: criteria provided, multiple submitters, no conflicts (2 of 4 stars). 3 submissions from 3 submitters: Uncertain significance (3). Last evaluated 2025-01-26.

Conditions:
Hereditary cancer-predisposing syndrome. Also called: Hereditary Cancer Syndrome; Hereditary neoplastic syndrome; Neoplastic Syndromes, Hereditary; Tumor predisposition. Identifiers: Orphanet 140162, MedGen C0027672, MeSH D009386, MONDO:0015356.
Malignant glioma. Identifiers: MedGen C0555198, MONDO:0100342, MONDO:0015917.
Familial adenomatous polyposis 1 (FAP1). Also called: FAMILIAL ADENOMATOUS POLYPOSIS 1, ATTENUATED; POLYPOSIS, ADENOMATOUS INTESTINAL. Identifiers: MedGen C2713442, MONDO:0021056, OMIM 175100. Disease mechanism: loss of function.

Submissions (3):

Labcorp Genetics (formerly Invitae), Labcorp
Classification: Uncertain significance for Familial adenomatous polyposis 1. Last evaluated: 2025-01-26. Review status: criteria provided, single submitter. Criteria: Invitae Variant Classification Sherloc (09022015). Collection method: clinical testing. Allele origin: germline.
Comment: This sequence change replaces cysteine, which is neutral and slightly polar, with tyrosine, which is neutral and polar, at codon 2042 of the APC protein (p.Cys2042Tyr). This variant is not present in population databases (gnomAD no frequency). This variant has not been reported in the literature in individuals affected with APC-related conditions. ClinVar contains an entry for this variant (Variation ID: 1751748). Invitae Evidence Modeling of protein sequence and biophysical properties (such as structural, functional, and spatial information, amino acid conservation, physicochemical variation, residue mobility, and thermodynamic stability) has been performed for this missense variant. However, the output from this modeling did not meet the statistical confidence thresholds required to predict the impact of this variant on APC protein function. In summary, the available evidence is currently insufficient to determine the role of this variant in disease. Therefore, it has been classified as a Variant of Uncertain Significance.

Ambry Genetics
Classification: Uncertain significance for Hereditary cancer-predisposing syndrome. Last evaluated: 2024-11-13. Review status: criteria provided, single submitter. Criteria: Ambry Variant Classification Scheme 2023. Collection method: clinical testing. Allele origin: germline.
Comment: The p.C2042Y variant (also known as c.6125G>A), located in coding exon 15 of the APC gene, results from a G to A substitution at nucleotide position 6125. The cysteine at codon 2042 is replaced by tyrosine, an amino acid with highly dissimilar properties. This amino acid position is highly conserved in available vertebrate species. In addition, in silico predictors for this gene do not accurately predict pathogenicity. Based on the available evidence, the clinical significance of this variant remains unclear.

Laboratory of Medical Genetics Unit, Bambino Gesù Children's Hospital
Classification: Uncertain significance for Malignant glioma. Review status: criteria provided, single submitter. Criteria: ACMG Guidelines, 2015. Collection method: research. Allele origin: germline. Affected: yes. Observed: 1 heterozygote.

NM_000038.6(APC):c.6125G>A (p.Cys2042Tyr)

Gene: APC (APC regulator of Wnt signaling pathway; plus strand). Cytogenetic location: 5q22.2.
Variant type: single nucleotide variant.
Coding change: c.6125G>A on transcript NM_000038.6 (MANE Select); coding-DNA position 6125, G replaced by A.
Protein change: p.Cys2042Tyr; replaces cysteine 2042 with tyrosine.
Molecular consequence: missense variant.
Genome position (GRCh38, 1-based): chr5:112,841,719, G>A. VCF-style: chr5-112841719-G-A. GRCh37 (hg19) VCF-style: chr5-112177416-G-A.
Other names: c.6125G>A, p.Cys2042Tyr (NM_001127510.3, NM_001354895.2, NM_001407450.1); c.6071G>A, p.Cys2024Tyr (NM_001127511.3); c.6179G>A, p.Cys2060Tyr (NM_001354896.2, NM_001407447.1, NM_001407448.1 and 1 more transcripts); c.6155G>A, p.Cys2052Tyr (NM_001354897.2); c.6050G>A, p.Cys2017Tyr (NM_001354898.2); c.6041G>A, p.Cys2014Tyr (NM_001354899.2); c.6002G>A, p.Cys2001Tyr (NM_001354900.2); c.5948G>A, p.Cys1983Tyr (NM_001354901.2, NM_001407453.1); and 11 more; short protein forms C1913Y, C1916Y, C2035Y, C1658Y, C1959Y, C2017Y, C2024Y, C2042Y.
Identifiers: ClinVar variation 1751748 (VCV001751748.6), dbSNP rs2149957713, ClinGen allele CA16034740.